The following is an entry in ClinVar:

ClinVar aggregate classification (germline): Uncertain significance. Review status: criteria provided, multiple submitters, no conflicts (2 of 4 stars). 2 submissions from 2 submitters: Uncertain significance (2). Last evaluated 2025-12-12.

Conditions:
Hereditary breast ovarian cancer syndrome. Also called: Hereditary breast and ovarian cancer syndrome; Hereditary breast and ovarian cancer syndrome (HBOC); BRCA1- and BRCA2-Associated Hereditary Breast and Ovarian Cancer; Hereditary breast and ovarian cancer; Breast and ovarian cancer; Hereditary breast and/or ovarian cancer syndrome. Identifiers: Orphanet 145, MedGen C0677776, MeSH D061325, MONDO:0003582. Disease mechanism: loss of function.
Hereditary cancer-predisposing syndrome. Also called: Neoplastic Syndromes, Hereditary; Tumor predisposition; Hereditary Cancer Syndrome; Hereditary neoplastic syndrome. Identifiers: Orphanet 140162, MedGen C0027672, MeSH D009386, MONDO:0015356.

Submissions (2):

Ambry Genetics
Classification: Uncertain significance for Hereditary cancer-predisposing syndrome. Last evaluated: 2025-12-12. Review status: criteria provided, single submitter. Criteria: Ambry Variant Classification Scheme 2023. Collection method: clinical testing. Allele origin: germline.
Comment: The p.T2214N variant (also known as c.6641C>A), located in coding exon 10 of the BRCA2 gene, results from a C to A substitution at nucleotide position 6641. The threonine at codon 2214 is replaced by asparagine, an amino acid with similar properties. This amino acid position is not well conserved in available vertebrate species. In addition, this alteration is predicted to be tolerated by in silico analysis. Based on the available evidence, the clinical significance of this variant remains unclear.

Labcorp Genetics (formerly Invitae), Labcorp
Classification: Uncertain significance for Hereditary breast ovarian cancer syndrome. Last evaluated: 2024-12-29. Review status: criteria provided, single submitter. Criteria: Invitae Variant Classification Sherloc (09022015). Collection method: clinical testing. Allele origin: germline.
Comment: This sequence change replaces threonine, which is neutral and polar, with asparagine, which is neutral and polar, at codon 2214 of the BRCA2 protein (p.Thr2214Asn). This variant is not present in population databases (gnomAD no frequency). This variant has not been reported in the literature in individuals affected with BRCA2-related conditions. Invitae Evidence Modeling of protein sequence and biophysical properties (such as structural, functional, and spatial information, amino acid conservation, physicochemical variation, residue mobility, and thermodynamic stability) indicates that this missense variant is not expected to disrupt BRCA2 protein function with a negative predictive value of 95%. In summary, the available evidence is currently insufficient to determine the role of this variant in disease. Therefore, it has been classified as a Variant of Uncertain Significance.

NM_000059.4(BRCA2):c.6641C>A (p.Thr2214Asn)

Gene: BRCA2 (BRCA2 DNA repair associated; plus strand). Cytogenetic location: 13q13.1.
Variant type: single nucleotide variant.
Coding change: c.6641C>A on transcript NM_000059.4 (MANE Select); coding-DNA position 6641, C replaced by A.
Protein change: p.Thr2214Asn; replaces threonine 2214 with asparagine.
Molecular consequence: missense variant. On other transcripts: non-coding transcript variant (1), intron variant (2).
Genome position (GRCh38, 1-based): chr13:32,340,996, C>A. VCF-style: chr13-32340996-C-A. GRCh37 (hg19) VCF-style: chr13-32915133-C-A.
Other names: c.6641C>A, p.Thr2214Asn (NM_001406719.1, NM_001406720.1, NM_001432077.1); c.1910-3562C>A (NM_001406721.1); c.425-3562C>A (NM_001406722.1); short protein forms T2214N.
Identifiers: ClinVar variation 3636509 (VCV003636509.3).